The following is an entry in ClinVar:

NM_001386298.1(CIC):c.1790G>A (p.Cys597Tyr)

Gene: CIC (capicua transcriptional repressor; plus strand). Cytogenetic location: 19q13.2.
Variant type: single nucleotide variant.
Coding change: c.1790G>A on transcript NM_001386298.1 (MANE Select); coding-DNA position 1790, G replaced by A.
Protein change: p.Cys597Tyr; replaces cysteine 597 with tyrosine.
Molecular consequence: missense variant.
Genome position (GRCh38, 1-based): chr19:42,273,573, G>A. VCF-style: chr19-42273573-G-A. GRCh37 (hg19) VCF-style: chr19-42777725-G-A.
Other names: c.1790G>A, p.Cys597Tyr (NM_001304815.2, NM_001379480.1, NM_001379482.1); short protein forms C597Y.
Identifiers: ClinVar variation 3349469 (VCV003349469.1).

ClinVar aggregate classification (germline): Uncertain significance (0 of 4 stars; one submission).

Conditions:
CIC-related disorder. Also called: CIC-related condition.

Submission:

PreventionGenetics, part of Exact Sciences
Classification: Uncertain significance for CIC-related condition. Last evaluated: 2024-03-03. Review status: no assertion criteria provided. Collection method: clinical testing. Allele origin: germline.
Comment: The CIC c.1790G>A variant is predicted to result in the amino acid substitution p.Cys597Tyr. To our knowledge, this variant has not been reported in the literature or in a large population database, indicating this variant is rare. At this time, the clinical significance of this variant is uncertain due to the absence of conclusive functional and genetic evidence.